The following is an entry in ClinVar:

ClinVar aggregate classification (germline): Likely benign. Review status: criteria provided, multiple submitters, no conflicts (2 of 4 stars). 4 submissions from 4 submitters: Likely benign (4). Last evaluated 2026-08-01.

Conditions:
Cardiovascular phenotype. Identifiers: MedGen CN230736.
Dilated cardiomyopathy 1KK (CMD1KK). Identifiers: Orphanet 154, Orphanet 75249, MedGen C3714995, MONDO:0014100, OMIM 615248.

Allele frequency attached by ClinVar (database versions not stated): gnomAD 0.00001; gnomAD exomes 0.00002 and 0.00005; ExAC 0.00004.
gnomAD v4.1: 69 of 1,613,662 alleles (0.0043%); highest among the groups gnomAD compares: Non-Finnish European, 0.0056%; no homozygotes.

Submissions (4):

CeGaT Center for Human Genetics Tuebingen
Classification: Likely benign. Last evaluated: 2026-08-01. Review status: criteria provided, single submitter. Criteria: CeGaT Center For Human Genetics Tuebingen Variant Classification Criteria Version 2. Collection method: clinical testing. Allele origin: germline. Affected: yes. Observed: 1 variant allele.
Comment: MYPN: BP4, BP7

Labcorp Genetics (formerly Invitae), Labcorp
Classification: Likely benign for Dilated cardiomyopathy 1KK. Last evaluated: 2025-03-01. Review status: criteria provided, single submitter. Criteria: Invitae Variant Classification Sherloc (09022015). Collection method: clinical testing. Allele origin: germline.

Blueprint Genetics
Classification: Likely benign. Last evaluated: 2024-09-15. Review status: criteria provided, single submitter. Criteria: ACMG Guidelines, 2015. Collection method: clinical testing. Allele origin: germline.

Ambry Genetics
Classification: Likely benign for Cardiovascular phenotype. Last evaluated: 2024-04-12. Review status: criteria provided, single submitter. Criteria: Ambry Variant Classification Scheme 2023. Collection method: clinical testing. Allele origin: germline.

NM_032578.4(MYPN):c.42G>A (p.Gln14=)

Gene: MYPN (myopalladin; plus strand). Cytogenetic location: 10q21.3.
Variant type: single nucleotide variant.
Coding change: c.42G>A on transcript NM_032578.4 (MANE Select); coding-DNA position 42, G replaced by A.
Protein change: p.Gln14=; no amino-acid change (glutamine 14 retained).
Molecular consequence: synonymous variant. On other transcripts: 5 prime UTR variant (1), non-coding transcript variant (1).
Genome position (GRCh38, 1-based): chr10:68,121,480, G>A. VCF-style: chr10-68121480-G-A. GRCh37 (hg19) VCF-style: chr10-69881237-G-A.
Other names: c.42G>A (NM_032578.2); c.42G>A, p.Gln14= (NM_001256267.2); c.-1081G>A (NM_001256268.2).
Identifiers: ClinVar variation 976553 (VCV000976553.14), dbSNP rs760916544, ClinGen allele CA5522209.
Genomic context (GRCh38, chr10:68,121,480, plus strand): 5'-ATTATTATTTTGTGACAGCATGCAAGACGACAGCATAGAAGCTTCTACTTCCATATCTCA[G>A]CTTCTAAGAGAGAGCTATTTAGCTGAAACCAGACATCGGGGAAACAATGAGAGGAGTCGA-3'
Protein context (NP_115967.2, residues 4-24): DSIEASTSIS[Gln14=]LLRESYLAET